The following is an entry in ClinVar:

NM_000049.4(ASPA):c.563G>A (p.Arg188Lys)

Genes: ASPA (aspartoacylase; plus strand), SPATA22 (spermatogenesis associated 22; minus strand). Cytogenetic location: 17p13.2.
Variant type: single nucleotide variant.
Coding change: c.563G>A on transcript NM_000049.4 (MANE Select); coding-DNA position 563, G replaced by A.
Protein change: p.Arg188Lys; replaces arginine 188 with lysine.
Molecular consequence: missense variant. On other transcripts: intron variant (2).
Genome position (GRCh38, 1-based): chr17:3,489,271, G>A. VCF-style: chr17-3489271-G-A. GRCh37 (hg19) VCF-style: chr17-3392565-G-A.
Other names: c.563G>A, p.Arg188Lys (NM_001128085.1); c.-73-19873C>T (NM_001321336.2, NM_001321337.2); short protein forms R188K.
Identifiers: ClinVar variation 1520376 (VCV001520376.4), dbSNP rs1272903968, ClinGen allele CA397684505.

ClinVar aggregate classification (germline): Uncertain significance (1 of 4 stars; one submission).

Conditions:
Spongy degeneration of central nervous system. Also called: ACY2 DEFICIENCY; AMINOACYLASE 2 DEFICIENCY; ASP DEFICIENCY; ASPA DEFICIENCY; ASPARTOACYLASE DEFICIENCY; CANAVAN-VAN BOGAERT-BERTRAND DISEASE. Identifiers: Orphanet 141, MedGen C0206307, MONDO:0010079, OMIM 271900.

Allele frequency attached by ClinVar (database versions not stated): gnomAD exomes below 0.00001; gnomAD 0.00004 and 0.00003; TOPMed 0.00001.
gnomAD v4.1: 6 of 1,613,014 alleles (0.00037%); highest among the groups gnomAD compares: African/African-American, 0.0067%; no homozygotes.

Submission:

Labcorp Genetics (formerly Invitae), Labcorp
Classification: Uncertain significance for Spongy degeneration of central nervous system. Last evaluated: 2022-09-01. Review status: criteria provided, single submitter. Criteria: Invitae Variant Classification Sherloc (09022015). Collection method: clinical testing. Allele origin: germline.
Comment: This sequence change replaces arginine, which is basic and polar, with lysine, which is basic and polar, at codon 188 of the ASPA protein (p.Arg188Lys). The frequency data for this variant in the population databases is considered unreliable, as metrics indicate poor data quality at this position in the gnomAD database. This variant has not been reported in the literature in individuals affected with ASPA-related conditions. ClinVar contains an entry for this variant (Variation ID: 1520376). Advanced modeling of protein sequence and biophysical properties (such as structural, functional, and spatial information, amino acid conservation, physicochemical variation, residue mobility, and thermodynamic stability) performed at Invitae indicates that this missense variant is expected to disrupt ASPA protein function. In summary, the available evidence is currently insufficient to determine the role of this variant in disease. Therefore, it has been classified as a Variant of Uncertain Significance.